The following is an entry in ClinVar:

NM_201384.3(PLEC):c.6518T>A (p.Phe2173Tyr)

Gene: PLEC (plectin; minus strand). Cytogenetic location: 8q24.3.
Variant type: single nucleotide variant.
Coding change: c.6518T>A on transcript NM_201384.3 (MANE Select); coding-DNA position 6518, T replaced by A.
Protein change: p.Phe2173Tyr; replaces phenylalanine 2173 with tyrosine.
Molecular consequence: missense variant.
Genome position (GRCh38, 1-based): chr8:143,923,411, A>T on the plus strand (T>A on the coding strand, the complement: PLEC is on the minus strand). VCF-style: chr8-143923411-A-T. GRCh37 (hg19) VCF-style: chr8-144997579-A-T.
Other names: c.6599T>A, p.Phe2200Tyr (NM_000445.5); c.6476T>A, p.Phe2159Tyr (NM_201378.4); c.6452T>A, p.Phe2151Tyr (NM_201379.3); c.6929T>A, p.Phe2310Tyr (NM_201380.4); c.6422T>A, p.Phe2141Tyr (NM_201381.3); c.6518T>A, p.Phe2173Tyr (NM_201382.4); c.6530T>A, p.Phe2177Tyr (NM_201383.3); short protein forms F2141Y, F2200Y, F2310Y, F2151Y, F2159Y, F2177Y, F2173Y.
Identifiers: ClinVar variation 1510417 (VCV001510417.7), dbSNP rs782105374, ClinGen allele CA4925959.

ClinVar aggregate classification (germline): Uncertain significance (1 of 4 stars; one submission).

Conditions:
Autosomal recessive limb-girdle muscular dystrophy type 2Q (LGMDR17). Also called: MUSCULAR DYSTROPHY, LIMB-GIRDLE, AUTOSOMAL RECESSIVE 17. Identifiers: Orphanet 254361, MedGen C3150989, MONDO:0013390, OMIM 613723.
Epidermolysis bullosa simplex, Ogna type (EBS5A). Also called: Pidermolysis bullosa simplex 5A, Ogna type; EPIDERMOLYSIS BULLOSA SIMPLEX 5A, OGNA TYPE. Identifiers: Orphanet 79401, MedGen C0432317, MONDO:0007555, OMIM 131950.
Epidermolysis bullosa simplex 5B, with muscular dystrophy (EBS5B). Also called: EPIDERMOLYSIS BULLOSA SIMPLEX AND LIMB-GIRDLE MUSCULAR DYSTROPHY; Epidermolysis bullosa simplex with muscular dystrophy. Identifiers: Orphanet 257, MedGen C2931072, MONDO:0009181, OMIM 226670.
Epidermolysis bullosa simplex 5C, with pyloric atresia (EBS5C). Also called: Epidermolysis bullosa simplex with pyloric atresia; PLEC-Related Epidermolysis Bullosa with Pyloric Atresia; PLEC1-Related Epidermolysis Bullosa with Pyloric Atresia. Identifiers: Orphanet 158684, MedGen C2677349, MONDO:0012807, OMIM 612138.
Epidermolysis bullosa simplex with nail dystrophy (EBS5D). Identifiers: MedGen C4225309, MONDO:0014661, OMIM 616487.

Allele frequency attached by ClinVar (database versions not stated): ExAC 0.00001; gnomAD exomes 0.00001.
gnomAD v4.1: 2 of 1,610,720 alleles (0.00012%); highest among the groups gnomAD compares: Admixed American, 0.0033%; no homozygotes.

Submission:

Labcorp Genetics (formerly Invitae), Labcorp
Classification: Uncertain significance for Autosomal recessive limb-girdle muscular dystrophy type 2Q; Epidermolysis bullosa simplex, Ogna type; Epidermolysis bullosa simplex with nail dystrophy; Epidermolysis bullosa simplex 5C, with pyloric atresia; Epidermolysis bullosa simplex 5B, with muscular dystrophy. Last evaluated: 2022-07-03. Review status: criteria provided, single submitter. Criteria: Invitae Variant Classification Sherloc (09022015). Collection method: clinical testing. Allele origin: germline.
Comment: In summary, the available evidence is currently insufficient to determine the role of this variant in disease. Therefore, it has been classified as a Variant of Uncertain Significance. Algorithms developed to predict the effect of missense changes on protein structure and function are either unavailable or do not agree on the potential impact of this missense change (SIFT: "Tolerated"; PolyPhen-2: "Probably Damaging"; Align-GVGD: "Class C0"). ClinVar contains an entry for this variant (Variation ID: 1510417). This variant has not been reported in the literature in individuals affected with PLEC-related conditions. This variant is present in population databases (rs782105374, gnomAD 0.006%). This sequence change replaces phenylalanine, which is neutral and non-polar, with tyrosine, which is neutral and polar, at codon 2200 of the PLEC protein (p.Phe2200Tyr).